The following is an entry in ClinVar:

NM_001366385.1(CARD14):c.769C>T (p.Gln257Ter)

Gene: CARD14 (caspase recruitment domain family member 14; plus strand). Cytogenetic location: 17q25.3.
Variant type: single nucleotide variant.
Coding change: c.769C>T on transcript NM_001366385.1 (MANE Select); coding-DNA position 769, C replaced by T.
Protein change: p.Gln257Ter; replaces glutamine 257 with a stop codon.
Molecular consequence: nonsense. On other transcripts: non-coding transcript variant (1).
Genome position (GRCh38, 1-based): chr17:80,188,470, C>T. VCF-style: chr17-80188470-C-T. GRCh37 (hg19) VCF-style: chr17-78162269-C-T.
Other names: c.769C>T, p.Gln257Ter (NM_001257970.1, NM_024110.4); c.58C>T, p.Gln20Ter (NM_052819.3); short protein forms Q257*, Q20*.
Identifiers: ClinVar variation 1389737 (VCV001389737.6), dbSNP rs2144234729, ClinGen allele CA401341383.

ClinVar aggregate classification (germline): Uncertain significance (1 of 4 stars; one submission).

Conditions:
Pityriasis rubra pilaris (PRP). Also called: Pityriasis rubra pilaris--familial type. Identifiers: Orphanet 2897, MedGen C0032027, MONDO:0100017, OMIM 173200, MONDO:0008251.
Psoriasis 2. Identifiers: MedGen C1864497, MONDO:0011269, OMIM 602723.

Submission:

Labcorp Genetics (formerly Invitae), Labcorp
Classification: Uncertain significance for Pityriasis rubra pilaris; Psoriasis 2. Last evaluated: 2021-04-23. Review status: criteria provided, single submitter. Criteria: Invitae Variant Classification Sherloc (09022015). Collection method: clinical testing. Allele origin: germline.
Comment: This variant has not been reported in the literature in individuals with CARD14-related conditions. In summary, the available evidence is currently insufficient to determine the role of this variant in disease. Therefore, it has been classified as a Variant of Uncertain Significance. This sequence change creates a premature translational stop signal (p.Gln257*) in the CARD14 gene. It is expected to result in an absent or disrupted protein product. However, the current clinical and genetic evidence is not sufficient to establish whether loss-of-function variants in CARD14 cause disease. This variant is not present in population databases (ExAC no frequency).